The following is an entry in ClinVar:

NM_014140.4(SMARCAL1):c.2644_2646del (p.Ile882del)

Gene: SMARCAL1 (SNF2 related chromatin remodeling annealing helicase 1; plus strand). Cytogenetic location: 2q35.
Variant type: Deletion.
Coding change: c.2644_2646del on transcript NM_014140.4 (MANE Select); coding-DNA positions 2644 to 2646, 3 bases deleted (ATC; older notation c.2644_2646delATC).
Protein change: p.Ile882del; deletes isoleucine 882.
Molecular consequence: inframe deletion.
Genome position (GRCh38, 1-based): chr2:216,482,756-216,482,758, ATC deleted. VCF-style (leftmost placement, unchanged base first): chr2-216482755-GATC-G. GRCh37 (hg19) VCF-style: chr2-217347478-GATC-G.
Other names: c.2644_2646del, p.Ile882del (NM_001127207.2); short protein forms I882del.
Identifiers: ClinVar variation 1060525 (VCV001060525.7), dbSNP rs1315596315, ClinGen allele CA539838527.

ClinVar aggregate classification (germline): Uncertain significance. Review status: criteria provided, multiple submitters, no conflicts (2 of 4 stars). 4 submissions from 4 submitters: Uncertain significance (3). 1 of the submissions does not count toward it. Last evaluated 2024-01-04.

Conditions:
Schimke immuno-osseous dysplasia (SIOD). Also called: Schimke Immunoosseous Dysplasia. Identifiers: Orphanet 1830, MedGen C0877024, MONDO:0009458, OMIM 242900.

Allele frequency attached by ClinVar (database versions not stated): gnomAD exomes below 0.00001; gnomAD 0.00002 and 0.00003; TOPMed 0.00002.

Submissions (4):

Fulgent Genetics
Classification: Uncertain significance for Schimke immuno-osseous dysplasia. Last evaluated: 2024-01-04. Review status: criteria provided, single submitter. Criteria: ACMG Guidelines, 2015. Collection method: clinical testing. Allele origin: germline.

Center for Genomics, Ann and Robert H. Lurie Children's Hospital of Chicago
Classification: Uncertain significance for Schimke immuno-osseous dysplasia. Last evaluated: 2022-10-28. Review status: criteria provided, single submitter. Criteria: ACMG Guidelines, 2015. Collection method: clinical testing. Allele origin: germline.
Comment: This variant has not been reported in the literature but is present in the Genome Aggregation Database (Highest reported MAF 0.004% (3/68036). This variant is present in ClinVar (Variation ID:1060525). Evolutionary conservation and computational predictive tools for this variant are limited or unavailable. This variant represents an in-frame deletion of 1 amino acid at position 882 and is not predicted to alter the reading frame. However, the effect of this variant on the protein is unclear. In addition, although this variant occurs in the exon, splice prediction tools suggest that this variant may impact splicing. Further studies are needed to understand its impact. In summary, data on this variant is insufficient for disease classification. Therefore, the clinical significance of this variant is uncertain.

Labcorp Genetics (formerly Invitae), Labcorp
Classification: Uncertain significance for Schimke immuno-osseous dysplasia. Last evaluated: 2022-02-05. Review status: criteria provided, single submitter. Criteria: Invitae Variant Classification Sherloc (09022015). Collection method: clinical testing. Allele origin: germline.
Comment: This variant, c.2644_2646del, results in the deletion of 1 amino acid(s) of the SMARCAL1 protein (p.Ile882del), but otherwise preserves the integrity of the reading frame. This variant is present in population databases (no rsID available, gnomAD 0.01%). This variant has not been reported in the literature in individuals affected with SMARCAL1-related conditions. ClinVar contains an entry for this variant (Variation ID: 1060525). Experimental studies and prediction algorithms are not available or were not evaluated, and the functional significance of this variant is currently unknown. Algorithms developed to predict the effect of sequence changes on RNA splicing suggest that this variant may create or strengthen a splice site. In summary, the available evidence is currently insufficient to determine the role of this variant in disease. Therefore, it has been classified as a Variant of Uncertain Significance.

Natera, Inc.
Classification: Uncertain significance for Schimke immuno-osseous dysplasia. Last evaluated: 2020-03-21. Review status: no assertion criteria provided. Collection method: clinical testing. Allele origin: germline. Not counted in ClinVar's aggregate classification.